The following is an entry in ClinVar:

ClinVar aggregate classification (germline): Uncertain significance (1 of 4 stars; one submission).

Allele frequency attached by ClinVar (database versions not stated): gnomAD exomes 0.00002; gnomAD 0.00003; TOPMed 0.00003; ExAC 0.00004; ESP Exome Variant Server 0.00008.
gnomAD v4.1: 29 of 1,613,784 alleles (0.0018%); highest among the groups gnomAD compares: South Asian, 0.0088%; no homozygotes.

Submission:

Labcorp Genetics (formerly Invitae), Labcorp
Classification: Uncertain significance. Last evaluated: 2024-05-06. Review status: criteria provided, single submitter. Criteria: Invitae Variant Classification Sherloc (09022015). Collection method: clinical testing. Allele origin: germline.
Comment: This sequence change replaces asparagine, which is neutral and polar, with serine, which is neutral and polar, at codon 1232 of the ANK3 protein (p.Asn1232Ser). This variant is present in population databases (rs370758339, gnomAD 0.02%). This variant has not been reported in the literature in individuals affected with ANK3-related conditions. ClinVar contains an entry for this variant (Variation ID: 2145087). Advanced modeling of protein sequence and biophysical properties (such as structural, functional, and spatial information, amino acid conservation, physicochemical variation, residue mobility, and thermodynamic stability) performed at Invitae indicates that this missense variant is not expected to disrupt ANK3 protein function with a negative predictive value of 80%. In summary, the available evidence is currently insufficient to determine the role of this variant in disease. Therefore, it has been classified as a Variant of Uncertain Significance.

NM_020987.5(ANK3):c.3695A>G (p.Asn1232Ser)

Gene: ANK3 (ankyrin 3; minus strand). Cytogenetic location: 10q21.2.
Variant type: single nucleotide variant.
Coding change: c.3695A>G on transcript NM_020987.5 (MANE Select); coding-DNA position 3695, A replaced by G.
Protein change: p.Asn1232Ser; replaces asparagine 1232 with serine.
Molecular consequence: missense variant.
Genome position (GRCh38, 1-based): chr10:60,086,730, T>C on the plus strand (A>G on the coding strand, the complement: ANK3 is on the minus strand). VCF-style: chr10-60086730-T-C. GRCh37 (hg19) VCF-style: chr10-61846488-T-C.
Other names: c.1097A>G, p.Asn366Ser (NM_001149.4); c.3677A>G, p.Asn1226Ser (NM_001204403.2); c.3698A>G, p.Asn1233Ser (NM_001204404.2); c.3695A>G, p.Asn1232Ser (NM_001320874.2); short protein forms N366S, N1226S, N1233S, N1232S.
Identifiers: ClinVar variation 2145087 (VCV002145087.4), dbSNP rs370758339, ClinGen allele CA5512421.